The following is an entry in ClinVar:

ClinVar aggregate classification (germline): Uncertain significance (1 of 4 stars; one submission).

Conditions:
Cataract 1 multiple types. Also called: CATARACT, DUFFY-LINKED; CATARACT 1, POSTERIOR SUBCAPSULAR, WITH MICROCORNEA; CATARACT 1, STELLATE NUCLEAR, WITH MICROCORNEA; CATARACT 1, MULTIPLE TYPES, WITH OR WITHOUT MICROCORNEA; CATARACT 1, NUCLEAR PROGRESSIVE; CATARACT 1 WITH MICROCORNEA. Identifiers: Orphanet 1377, MedGen C1861828, MONDO:0007285, OMIM 116200.

Submission:

Dept. Genetics and Cancer, Menzies Institute for Medical Research, University of Tasmania
Classification: Uncertain significance for Cataract 1 multiple types. Last evaluated: 2023-01-21. Review status: criteria provided, single submitter. Criteria: ACMG Guidelines, 2015. Collection method: curation. Allele origin: germline. Affected: yes.
Comment: Variant identified and curated during a GJA8 specific review of the literature in relation to pediatric or congenital cataract. ACMG-AMP criteria applied: PM1(Supporting), PM2(Supporting), PP1, PP3. Original variant report: PMID:35428228. The cataract phenotype reported for this variant is: Pulverulent nuclear. Gene review and curation guidelines are outlined in: DOI 10.1080/17469899.2023.2160320

Literature cited by the submitters: PubMed 35428228.

NM_005267.5(GJA8):c.124G>A (p.Glu42Lys)

Gene: GJA8 (gap junction protein alpha 8; plus strand). Cytogenetic location: 1q21.2.
Variant type: single nucleotide variant.
Coding change: c.124G>A on transcript NM_005267.5 (MANE Select); coding-DNA position 124, G replaced by A.
Protein change: p.Glu42Lys; replaces glutamic acid 42 with lysine.
Molecular consequence: missense variant.
Genome position (GRCh38, 1-based): chr1:147,908,079, G>A. VCF-style: chr1-147908079-G-A. GRCh37 (hg19) VCF-style: chr1-147380206-G-A.
Other names: short protein forms E42K.
Identifiers: ClinVar variation 3253711 (VCV003253711.1), dbSNP rs2524888987.